The following is an entry in ClinVar:

ClinVar aggregate classification (germline): Uncertain significance (1 of 4 stars; one submission).

Conditions:
Cardiomyopathy (CMYO). Also called: Cardiomyopathies. Identifiers: Orphanet 167848, MedGen C0878544, MONDO:0004994, HP:0001638. Inheritance: Various modes of inheritance.

Submission:

Color Diagnostics, LLC DBA Color Health
Classification: Uncertain significance for Cardiomyopathy. Last evaluated: 2018-11-12. Review status: criteria provided, single submitter. Criteria: ACMG Guidelines, 2015. Collection method: clinical testing. Allele origin: germline.
Comment: This variant deletes 1 nucleotide in exon 14 of the DSC2 gene, creating a frameshift and premature translation stop signal near the C-terminus of the DSC2 gene. While this variant is expected to result in an absent or non-functional protein product, functional assays have not been performed for this variant to our knowledge. This variant has not been reported in individuals affected with cardiovascular disorders in the literature. This variant has not been identified in the general population by the Genome Aggregation Database (gnomAD). Truncations and other loss-of-function variants in the DSC2 gene have been reported in individuals with arrhythmogenic right ventricular cardiomyopathy. However, clinical significance of these variants is not yet fully understood. Available evidence is insufficient to determine the role of this variant in disease conclusively. Therefore, this variant is classified as a Variant of Uncertain Significance.

NM_024422.6(DSC2):c.2162del (p.Thr721fs)

Gene: DSC2 (desmocollin 2; minus strand). Cytogenetic location: 18q12.1.
Variant type: Deletion.
Coding change: c.2162del on transcript NM_024422.6 (MANE Select); coding-DNA position 2162, one base deleted (C; older notation c.2162delC).
Protein change: p.Thr721fs; shifts the reading frame from threonine 721.
Molecular consequence: frameshift variant.
Genome position (GRCh38, 1-based): chr18:31,070,814, G deleted on the plus strand (C on the coding strand, the reverse complement: DSC2 is on the minus strand). VCF-style (leftmost placement, unchanged base first): chr18-31070813-CG-C. GRCh37 (hg19) VCF-style: chr18-28650779-CG-C.
Other names: c.2162del, p.Thr721fs (NM_004949.5); short protein forms T721fs.
Identifiers: ClinVar variation 921774 (VCV000921774.3), dbSNP rs1986800713, ClinGen allele CA913189077.